The following is an entry in ClinVar:

ClinVar aggregate classification (germline): Likely benign. Review status: criteria provided, multiple submitters, no conflicts (2 of 4 stars). 3 submissions from 3 submitters: Likely benign (2). 1 of the submissions does not count toward it. Last evaluated 2025-01-17.

Conditions:
PALLD-related disorder. Also called: PALLD-related condition.
Pancreatic adenocarcinoma. Identifiers: MedGen C0281361, MONDO:0006047, HP:0006725.

Allele frequency attached by ClinVar (database versions not stated): gnomAD exomes 0.00007 and 0.00008; ExAC 0.00009; 1000 Genomes Project 30x 0.00062; gnomAD 0.00095 and 0.00107; TOPMed 0.00100.
gnomAD v4.1: 274 of 1,496,568 alleles (0.018%); highest among the groups gnomAD compares: African/African-American, 0.34%; 2 homozygotes.

Submissions (3):

Labcorp Genetics (formerly Invitae), Labcorp
Classification: Likely benign for Pancreatic adenocarcinoma. Last evaluated: 2025-01-17. Review status: criteria provided, single submitter. Criteria: Invitae Variant Classification Sherloc (09022015). Collection method: clinical testing. Allele origin: germline.

Blueprint Genetics
Classification: Likely benign. Last evaluated: 2024-06-27. Review status: criteria provided, single submitter. Criteria: ACMG Guidelines, 2015. Collection method: clinical testing. Allele origin: germline.

PreventionGenetics, part of Exact Sciences
Classification: Benign for PALLD-related condition. Last evaluated: 2019-10-10. Review status: no assertion criteria provided. Collection method: clinical testing. Allele origin: germline. Not counted in ClinVar's aggregate classification.
Comment: This variant is classified as benign based on ACMG/AMP sequence variant interpretation guidelines (Richards et al. 2015 PMID: 25741868, with internal and published modifications).

NM_001166108.2(PALLD):c.1965-12908G>A

Gene: PALLD (palladin, cytoskeletal associated protein; plus strand). Cytogenetic location: 4q32.3.
Variant type: single nucleotide variant.
Coding change: c.1965-12908G>A on transcript NM_001166108.2 (MANE Select); 12908 bases into the intron before coding-DNA position 1965, G replaced by A.
Molecular consequence: intron variant. On other transcripts: synonymous variant (1).
Genome position (GRCh38, 1-based): chr4:168,878,014, G>A. VCF-style: chr4-168878014-G-A. GRCh37 (hg19) VCF-style: chr4-169799165-G-A.
Other names: c.123G>A, p.Pro41= (NM_001166110.2); c.1965-12908G>A (NM_016081.4); c.819-12908G>A (NM_001166109.2); c.-157-12908G>A (NM_001367570.1, NM_001367568.1, NM_001367567.1 and 1 more transcripts).
Identifiers: ClinVar variation 215801 (VCV000215801.14), dbSNP rs758706279, ClinGen allele CA336179.